The following is an entry in ClinVar:

ClinVar aggregate classification (germline): Uncertain significance. Review status: criteria provided, multiple submitters, no conflicts (2 of 4 stars). 3 submissions from 3 submitters: Uncertain significance (3). Last evaluated 2024-04-10.

Conditions:
D-2-hydroxyglutaric aciduria 1 (D2HGA1). Identifiers: Orphanet 79315, MedGen C3152055, MONDO:0024554, OMIM 600721.

Allele frequency attached by ClinVar (database versions not stated): gnomAD exomes below 0.00001 and 0.00003; gnomAD 0.00001; TOPMed 0.00001; ExAC 0.00003.
gnomAD v4.1: 51 of 1,603,564 alleles (0.0032%); highest among the groups gnomAD compares: Non-Finnish European, 0.0042%; no homozygotes.

Submissions (3):

Fulgent Genetics
Classification: Uncertain significance for D-2-hydroxyglutaric aciduria 1. Last evaluated: 2024-04-10. Review status: criteria provided, single submitter. Criteria: ACMG Guidelines, 2015. Collection method: clinical testing. Allele origin: germline.

Labcorp Genetics (formerly Invitae), Labcorp
Classification: Uncertain significance for D-2-hydroxyglutaric aciduria 1. Last evaluated: 2021-12-03. Review status: criteria provided, single submitter. Criteria: Invitae Variant Classification Sherloc (09022015). Collection method: clinical testing. Allele origin: germline.
Comment: In summary, the available evidence is currently insufficient to determine the role of this variant in disease. Therefore, it has been classified as a Variant of Uncertain Significance. Algorithms developed to predict the effect of missense changes on protein structure and function are either unavailable or do not agree on the potential impact of this missense change (SIFT: "Deleterious"; PolyPhen-2: "Probably Damaging"; Align-GVGD: "Class C0"). ClinVar contains an entry for this variant (Variation ID: 335323). This variant has not been reported in the literature in individuals affected with D2HGDH-related conditions. The frequency data for this variant in the population databases is considered unreliable, as metrics indicate poor data quality at this position in the gnomAD database. This sequence change replaces lysine, which is basic and polar, with arginine, which is basic and polar, at codon 502 of the D2HGDH protein (p.Lys502Arg).

Illumina Laboratory Services, Illumina
Classification: Uncertain significance for D-2-hydroxyglutaric aciduria 1. Last evaluated: 2018-01-13. Review status: criteria provided, single submitter. Criteria: ICSL Variant Classification Criteria 13 December 2019. Collection method: clinical testing. Allele origin: germline.

NM_152783.5(D2HGDH):c.1505A>G (p.Lys502Arg)

Gene: D2HGDH (D-2-hydroxyglutarate dehydrogenase; plus strand). Cytogenetic location: 2q37.3.
Variant type: single nucleotide variant.
Coding change: c.1505A>G on transcript NM_152783.5 (MANE Select); coding-DNA position 1505, A replaced by G.
Protein change: p.Lys502Arg; replaces lysine 502 with arginine.
Molecular consequence: missense variant. On other transcripts: non-coding transcript variant (1).
Genome position (GRCh38, 1-based): chr2:241,767,908, A>G. VCF-style: chr2-241767908-A-G. GRCh37 (hg19) VCF-style: chr2-242707323-A-G.
Other names: c.1103A>G, p.Lys368Arg (NM_001287249.2); c.944A>G, p.Lys315Arg (NM_001352824.2); short protein forms K502R, K315R, K368R.
Identifiers: ClinVar variation 335323 (VCV000335323.13), dbSNP rs751788334, ClinGen allele CA2222249.
Genomic context (GRCh38, chr2:241,767,908, plus strand): 5'-AGAGGGACGTCCTGGGCTACAGCAAGCCACCGGGGGCCCTGCAGCTCATGCAGCAGCTCA[A>G]GGCCCTGCTGGACCCCAAGGGCATCCTCAACCCCTACAAGACGCTGCCCAGCCAGGCCTG-3'
Protein context (NP_689996.4, residues 492-512): PGALQLMQQL[Lys502Arg]ALLDPKGILN